The following is an entry in ClinVar:

ClinVar aggregate classification (germline): Uncertain significance (1 of 4 stars; one submission).

Conditions:
Adenylosuccinate lyase deficiency (ADSLD). Also called: ADSL DEFICIENCY. Identifiers: Orphanet 46, MedGen C0268126, MONDO:0007068, OMIM 103050.

gnomAD v4.1: 6 of 1,604,376 alleles (0.00037%); highest among the groups gnomAD compares: Non-Finnish European, 0.00051%; no homozygotes.

Submission:

Labcorp Genetics (formerly Invitae), Labcorp
Classification: Uncertain significance for Adenylosuccinate lyase deficiency. Last evaluated: 2019-04-23. Review status: criteria provided, single submitter. Criteria: Invitae Variant Classification Sherloc (09022015). Collection method: clinical testing. Allele origin: germline.
Comment: This variant has not been reported in the literature in individuals with ADSL-related conditions. This variant is not present in population databases (ExAC no frequency). This sequence change replaces alanine with glycine at codon 3 of the ADSL protein (p.Ala3Gly). The alanine residue is weakly conserved and there is a small physicochemical difference between alanine and glycine. Algorithms developed to predict the effect of missense changes on protein structure and function output the following: SIFT: "Tolerated"; PolyPhen-2: "Benign"; Align-GVGD: "Class C0". The glycine amino acid residue is found in multiple mammalian species, suggesting that this missense change does not adversely affect protein function. These predictions have not been confirmed by published functional studies and their clinical significance is uncertain. In summary, the available evidence is currently insufficient to determine the role of this variant in disease. Therefore, it has been classified as a Variant of Uncertain Significance. This variant disrupts the p.Ala3 amino acid residue in ADSL. Other variant(s) that disrupt this residue have been observed in individuals with ADSL-related conditions (PMID:10888601, 15571235), which suggests that this may be a clinically significant amino acid residue.

Literature cited by the submitters: PubMed 10888601; PubMed 15571235.

NM_000026.4(ADSL):c.8C>G (p.Ala3Gly)

Gene: ADSL (adenylosuccinate lyase; plus strand). Cytogenetic location: 22q13.1.
Variant type: single nucleotide variant.
Coding change: c.8C>G on transcript NM_000026.4 (MANE Select); coding-DNA position 8, C replaced by G.
Protein change: p.Ala3Gly; replaces alanine 3 with glycine.
Molecular consequence: missense variant. On other transcripts: 5 prime UTR variant (1), non-coding transcript variant (1).
Genome position (GRCh38, 1-based): chr22:40,346,566, C>G. VCF-style: chr22-40346566-C-G. GRCh37 (hg19) VCF-style: chr22-40742570-C-G.
Other names: c.8C>G, p.Ala3Gly (NM_001123378.3, NM_001363840.3); c.-130C>G (NM_001317923.2); short protein forms A3G.
Identifiers: ClinVar variation 855575 (VCV000855575.9), dbSNP rs2044145822, ClinGen allele CA411632574.